The following is an entry in ClinVar:

ClinVar aggregate classification (germline): Uncertain significance. Review status: criteria provided, multiple submitters, no conflicts (2 of 4 stars). 2 submissions from 2 submitters: Uncertain significance (2). Last evaluated 2026-01-12.

Conditions:
Inborn genetic diseases. Identifiers: MedGen C0950123, MeSH D030342.

Allele frequency attached by ClinVar (database versions not stated): TOPMed 0.00004; ExAC 0.00012.
gnomAD v4.1: 58 of 1,613,874 alleles (0.0036%); highest among the groups gnomAD compares: Admixed American, 0.025%; no homozygotes.

Submissions (2):

Labcorp Genetics (formerly Invitae), Labcorp
Classification: Uncertain significance. Last evaluated: 2026-01-12. Review status: criteria provided, single submitter. Criteria: Invitae Variant Classification Sherloc (09022015). Collection method: clinical testing. Allele origin: germline.
Comment: This sequence change replaces arginine, which is basic and polar, with tryptophan, which is neutral and slightly polar, at codon 195 of the COLGALT1 protein (p.Arg195Trp). This variant is present in population databases (rs761435653, gnomAD 0.04%). This variant has not been reported in the literature in individuals affected with COLGALT1-related conditions. ClinVar contains an entry for this variant (Variation ID: 2151576). Invitae Evidence Modeling of protein sequence and biophysical properties (such as structural, functional, and spatial information, amino acid conservation, physicochemical variation, residue mobility, and thermodynamic stability) indicates that this missense variant is expected to disrupt COLGALT1 protein function with a positive predictive value of 80%. In summary, the available evidence is currently insufficient to determine the role of this variant in disease. Therefore, it has been classified as a Variant of Uncertain Significance.

Ambry Genetics
Classification: Uncertain significance for Inborn genetic diseases. Last evaluated: 2025-10-15. Review status: criteria provided, single submitter. Criteria: Ambry Variant Classification Scheme 2023. Collection method: clinical testing. Allele origin: germline.

NM_024656.4(COLGALT1):c.583C>T (p.Arg195Trp)

Gene: COLGALT1 (collagen beta(1-O)galactosyltransferase 1; plus strand). Cytogenetic location: 19p13.11.
Variant type: single nucleotide variant.
Coding change: c.583C>T on transcript NM_024656.4 (MANE Select); coding-DNA position 583, C replaced by T.
Protein change: p.Arg195Trp; replaces arginine 195 with tryptophan.
Molecular consequence: missense variant.
Genome position (GRCh38, 1-based): chr19:17,567,499, C>T. VCF-style: chr19-17567499-C-T. GRCh37 (hg19) VCF-style: chr19-17678308-C-T.
Other names: c.583C>T (NM_024656.2); short protein forms R195W.
Identifiers: ClinVar variation 2151576 (VCV002151576.6), dbSNP rs761435653, ClinGen allele CA9296949.